The following is an entry in ClinVar:

NM_000051.4(ATM):c.3198del (p.Asp1067fs)

Gene: ATM (ATM serine/threonine kinase; plus strand). Cytogenetic location: 11q22.3.
Variant type: Deletion.
Coding change: c.3198del on transcript NM_000051.4 (MANE Select); coding-DNA position 3198, one base deleted (A; older notation c.3198delA).
Protein change: p.Asp1067fs; shifts the reading frame from aspartic acid 1067.
Molecular consequence: frameshift variant.
Genome position (GRCh38, 1-based): chr11:108,272,766, A deleted; the last of 4 consecutive A bases (chr11:108,272,763-108,272,766); deleting any one gives the same sequence. VCF-style (leftmost placement, unchanged base first): chr11-108272762-GA-G. GRCh37 (hg19) VCF-style: chr11-108143489-GA-G.
Other names: c.3198delA, p.Asp1067Thrfs (NM_000051.3); c.3198del, p.Asp1067fs (NM_001351834.2); c.3198del (NM_000051.3); short protein forms D1067fs.
Identifiers: ClinVar variation 2417452 (VCV002417452.6), dbSNP rs2497722065, ClinGen allele CA2580083334.
Genomic context (GRCh38, chr11:108,272,762, plus strand): 5'-CCACAGTTCTTTTCCCGTAGGCTGATCCTTATTCAAAATGGGCCATTCTTAATGTAATGG[GA>G]AAAGACTTTCCTGTAAATGAAGTATTTACACAATTTCTTGCTGACAATCATCACCAAGTT-3'

ClinVar aggregate classification (germline): Pathogenic/Likely pathogenic. Review status: criteria provided, multiple submitters, no conflicts (2 of 4 stars). 2 submissions from 2 submitters: Pathogenic (1); Likely pathogenic (1). Last evaluated 2025-05-23.

Conditions:
Ataxia-telangiectasia syndrome (AT). Also called: Cerebello-oculocutaneous telangiectasia; Immunodeficiency with ataxia telangiectasia; Ataxia-telangiectasia; AT, COMPLEMENTATION GROUP C; Ataxia telangiectasia (A-T); LOUIS-BAR SYNDROME. Identifiers: Orphanet 100, MedGen C0004135, MONDO:0008840, OMIM 208900.

Submissions (2):

Natera, Inc.
Classification: Likely pathogenic for Ataxia-telangiectasia. Last evaluated: 2025-05-23. Review status: criteria provided, single submitter. Criteria: Natera Variant Classification Schema (03/2026). Collection method: clinical testing. Allele origin: germline.
Comment: The c.3198del variant in ATM is a frameshift variant predicted to shift the reading frame beginning at codon 1067 and leads to a stop codon 4 codons downstream. This variant is expected to result in nonsense mediated decay, truncation, or a dysfunctional protein product. This variant is rare in the general population with a frequency below the threshold expected for the associated phenotype(s). Given the available evidence, this variant is classified as Likely Pathogenic.

Labcorp Genetics (formerly Invitae), Labcorp
Classification: Pathogenic for Ataxia-telangiectasia syndrome. Last evaluated: 2022-06-29. Review status: criteria provided, single submitter. Criteria: Invitae Variant Classification Sherloc (09022015). Collection method: clinical testing. Allele origin: germline.
Comment: For these reasons, this variant has been classified as Pathogenic. This variant has not been reported in the literature in individuals affected with ATM-related conditions. This variant is not present in population databases (gnomAD no frequency). This sequence change creates a premature translational stop signal (p.Asp1067Thrfs*4) in the ATM gene. It is expected to result in an absent or disrupted protein product. Loss-of-function variants in ATM are known to be pathogenic (PMID: 23807571, 25614872).

Literature cited by the submitters: PubMed 23807571 (cited by Labcorp Genetics (formerly Invitae), Labcorp); PubMed 25614872 (cited by Labcorp Genetics (formerly Invitae), Labcorp).